The following is an entry in ClinVar:

ClinVar aggregate classification (germline): Uncertain significance (0 of 4 stars; one submission).

Conditions:
TTN-related disorder. Also called: TTN-related disorders; TTN-related condition; TTN-related disease.

Submission:

PreventionGenetics, part of Exact Sciences
Classification: Uncertain significance for TTN-related condition. Last evaluated: 2024-06-06. Review status: no assertion criteria provided. Collection method: clinical testing. Allele origin: germline.
Comment: The TTN c.16774T>G variant is predicted to result in the amino acid substitution p.Ser5592Ala. This variant is referred to as c.11312-3705T>G (intronic) with an alternate transcript NM_001267550. To our knowledge, this variant has not been reported in the literature or in a large population database, indicating this variant is rare. At this time, the clinical significance of this variant is uncertain due to the absence of conclusive functional and genetic evidence.

NM_001267550.2(TTN):c.11312-3705T>G

Gene: TTN (titin; minus strand). Cytogenetic location: 2q31.2.
Variant type: single nucleotide variant.
Coding change: c.11312-3705T>G on transcript NM_001267550.2 (MANE Select); 3705 bases into the intron before coding-DNA position 11312, T replaced by G.
Molecular consequence: intron variant. On other transcripts: missense variant (1).
Genome position (GRCh38, 1-based): chr2:178,745,626, A>C on the plus strand (T>G on the coding strand, the complement: TTN is on the minus strand). VCF-style: chr2-178745626-A-C. GRCh37 (hg19) VCF-style: chr2-179610353-A-C.
Other names: c.16774T>G, p.Ser5592Ala (NM_133379.5); c.10223-3705T>G (NM_003319.4); c.10799-3705T>G (NM_133437.4); c.10598-3705T>G (NM_133432.3); c.10361-7266T>G (NM_133378.4); c.10361-3705T>G (NM_001256850.1); short protein forms S5592A.
Identifiers: ClinVar variation 3347206 (VCV003347206.1).